The following is an entry in ClinVar:

NM_001001957.2(OR2W3):c.824_825inv (p.Met275Thr)

Gene: OR2W3 (olfactory receptor family 2 subfamily W member 3; plus strand). Cytogenetic location: 1q44.
Variant type: Inversion.
Coding change: c.824_825inv on transcript NM_001001957.2 (MANE Select).
Protein change: p.Met275Thr; replaces methionine 275 with threonine.
Molecular consequence: missense variant.
Genome position: GRCh38 VCF-style: chr1-247896410-TG-CA. GRCh37 (hg19) VCF-style: chr1-248059712-TG-CA.
Other names: short protein forms M275T.
Identifiers: ClinVar variation 1509025 (VCV001509025.5), ClinGen allele CA2573132963.

ClinVar aggregate classification (germline): Uncertain significance (1 of 4 stars; one submission).

Submission:

Labcorp Genetics (formerly Invitae), Labcorp
Classification: Uncertain significance. Last evaluated: 2025-10-18. Review status: criteria provided, single submitter. Criteria: Invitae Variant Classification Sherloc (09022015). Collection method: clinical testing. Allele origin: germline.
Comment: This sequence change replaces methionine, which is neutral and non-polar, with threonine, which is neutral and polar, at codon 275 of the OR2W3 protein (p.Met275Thr). This variant is present in population databases (no rsID available, gnomAD 0.002%). This variant has not been reported in the literature in individuals affected with OR2W3-related conditions. ClinVar contains an entry for this variant (Variation ID: 1509025). An algorithm developed to predict the effect of missense changes on protein structure and function (PolyPhen-2) suggests that this variant is likely to be tolerated. In summary, the available evidence is currently insufficient to determine the role of this variant in disease. Therefore, it has been classified as a Variant of Uncertain Significance.